The following is an entry in ClinVar:

ClinVar aggregate classification (germline): Uncertain significance (1 of 4 stars; one submission).

Submission:

Labcorp Genetics (formerly Invitae), Labcorp
Classification: Uncertain significance. Last evaluated: 2023-12-31. Review status: criteria provided, single submitter. Criteria: Invitae Variant Classification Sherloc (09022015). Collection method: clinical testing. Allele origin: germline.
Comment: This sequence change replaces alanine, which is neutral and non-polar, with serine, which is neutral and polar, at codon 110 of the IMPDH1 protein (p.Ala110Ser). This variant is not present in population databases (gnomAD no frequency). This variant has not been reported in the literature in individuals affected with IMPDH1-related conditions. An algorithm developed to predict the effect of missense changes on protein structure and function (PolyPhen-2) suggests that this variant is likely to be tolerated. In summary, the available evidence is currently insufficient to determine the role of this variant in disease. Therefore, it has been classified as a Variant of Uncertain Significance.

NM_000883.4(IMPDH1):c.328G>T (p.Ala110Ser)

Gene: IMPDH1 (inosine monophosphate dehydrogenase 1; minus strand). Cytogenetic location: 7q32.1.
Variant type: single nucleotide variant.
Coding change: c.328G>T on transcript NM_000883.4 (MANE Select); coding-DNA position 328, G replaced by T.
Protein change: p.Ala110Ser; replaces alanine 110 with serine.
Molecular consequence: missense variant. On other transcripts: intron variant (2).
Genome position (GRCh38, 1-based): chr7:128,405,792, C>A on the plus strand (G>T on the coding strand, the complement: IMPDH1 is on the minus strand). VCF-style: chr7-128405792-C-A. GRCh37 (hg19) VCF-style: chr7-128045846-C-A.
Other names: c.298G>T, p.Ala100Ser (NM_001102605.2); c.73G>T, p.Ala25Ser (NM_001142573.2, NM_001142574.2, NM_001142575.2); c.220G>T, p.Ala74Ser (NM_183243.3); c.147-2038G>T (NM_001304521.2); c.255-2038G>T (NM_001142576.2); short protein forms A25S, A100S, A110S, A74S.
Identifiers: ClinVar variation 2706751 (VCV002706751.3), dbSNP rs1270928326, ClinGen allele CA369178132.